The following is an entry in ClinVar:

ClinVar aggregate classification (germline): Pathogenic (1 of 4 stars; one submission).

Conditions:
Hereditary cancer-predisposing syndrome. Also called: Hereditary neoplastic syndrome; Neoplastic Syndromes, Hereditary; Tumor predisposition; Hereditary Cancer Syndrome. Identifiers: Orphanet 140162, MedGen C0027672, MeSH D009386, MONDO:0015356.

Submission:

Ambry Genetics
Classification: Pathogenic for Hereditary cancer-predisposing syndrome. Last evaluated: 2025-02-17. Review status: criteria provided, single submitter. Criteria: Ambry Variant Classification Scheme 2023. Collection method: clinical testing. Allele origin: germline.
Comment: The c.1735_1736delTC pathogenic mutation, located in coding exon 8 of the BARD1 gene, results from a deletion of two nucleotides at nucleotide positions 1735 to 1736, causing a translational frameshift with a predicted alternate stop codon (p.S579Rfs*8). This variant is considered to be rare based on population cohorts in the Genome Aggregation Database (gnomAD). This alteration is expected to result in loss of function by premature protein truncation or nonsense-mediated mRNA decay. As such, this alteration is interpreted as a disease-causing mutation.

NM_000465.4(BARD1):c.1735_1736del (p.Ser579fs)

Gene: BARD1 (BRCA1 associated RING domain 1; minus strand). Cytogenetic location: 2q35.
Variant type: Deletion.
Coding change: c.1735_1736del on transcript NM_000465.4 (MANE Select); coding-DNA positions 1735 to 1736, 2 bases deleted (TC; older notation c.1735_1736delTC).
Protein change: p.Ser579fs; shifts the reading frame from serine 579.
Molecular consequence: frameshift variant. On other transcripts: non-coding transcript variant (3), intron variant (1).
Genome position (GRCh38, 1-based): chr2:214,745,796-214,745,797, GA deleted on the plus strand (TC on the coding strand, the reverse complement: BARD1 is on the minus strand). VCF-style (leftmost placement, unchanged base first): chr2-214745795-TGA-T. GRCh37 (hg19) VCF-style: chr2-215610519-TGA-T.
Other names: c.1678_1679del, p.Ser560fs (NM_001282543.2); c.382_383del, p.Ser128fs (NM_001282545.2); c.325_326del, p.Ser109fs (NM_001282548.2); c.365-15289_365-15288del (NM_001282549.2); short protein forms S128fs, S109fs, S579fs, S560fs.
Identifiers: ClinVar variation 3820574 (VCV003820574.1).